The following is an entry in ClinVar:

ClinVar aggregate classification (germline): Conflicting classifications of pathogenicity. Review status: criteria provided, conflicting classifications (1 of 4 stars). 5 submissions from 5 submitters: Pathogenic (1); Uncertain significance (3). 1 of the submissions does not count toward it. Last evaluated 2023-02-17.

Conditions:
Optic atrophy. Identifiers: MedGen C0029124, MONDO:0003608, HP:0000648.

Submissions (5):

GeneDx
Classification: Pathogenic. Last evaluated: 2023-02-17. Review status: criteria provided, single submitter. Criteria: GeneDx Variant Classification Process June 2021. Collection method: clinical testing. Allele origin: germline. Affected: yes.
Comment: Non-canonical splice site variant demonstrated to result in loss of function (Weisschuh et al., 2021); In silico analysis supports a deleterious effect on splicing; Not observed at significant frequency in large population cohorts (gnomAD); This variant is associated with the following publications: (PMID: 34242285)

Labcorp Genetics (formerly Invitae), Labcorp
Classification: Uncertain significance. Last evaluated: 2021-01-30. Review status: criteria provided, single submitter. Criteria: Invitae Variant Classification Sherloc (09022015). Collection method: clinical testing. Allele origin: germline.
Comment: In summary, the available evidence is currently insufficient to determine the role of this variant in disease. Therefore, it has been classified as a Variant of Uncertain Significance. Nucleotide substitutions within the consensus splice site are a relatively common cause of aberrant splicing (PMID: 17576681, 9536098). Algorithms developed to predict the effect of sequence changes on RNA splicing suggest that this variant may disrupt the consensus splice site, but this prediction has not been confirmed by published transcriptional studies. This variant has not been reported in the literature in individuals with OPA1-related conditions. ClinVar contains an entry for this variant (Variation ID: 447895). This variant is not present in population databases (ExAC no frequency). This sequence change falls in intron 15 of the OPA1 gene. It does not directly change the encoded amino acid sequence of the OPA1 protein. It affects a nucleotide within the consensus splice site of the intron.

CeGaT Center for Human Genetics Tuebingen
Classification: Uncertain significance. Last evaluated: 2017-07-01. Review status: criteria provided, single submitter. Criteria: CeGaT Center For Human Genetics Tuebingen Variant Classification Criteria Version 2. Collection method: clinical testing. Allele origin: germline. Affected: yes. Observed: 1 variant allele.

Athena Diagnostics
Classification: Uncertain significance. Last evaluated: 2016-11-18. Review status: criteria provided, single submitter. Criteria: Athena Diagnostics Criteria. Collection method: clinical testing. Allele origin: germline.

Institute of Human Genetics, Univ. Regensburg, Univ. Regensburg
Classification: Uncertain significance for Optic atrophy. Last evaluated: 2020-01-01. Review status: no assertion criteria provided. Criteria: ACMG Guidelines, 2015. Collection method: clinical testing. Allele origin: germline. Affected: yes. Not counted in ClinVar's aggregate classification.

Literature cited by the submitters: PubMed 17576681 (cited by Labcorp Genetics (formerly Invitae), Labcorp); PubMed 9536098 (cited by Labcorp Genetics (formerly Invitae), Labcorp).

NM_130837.3(OPA1):c.1681+3A>G

Gene: OPA1 (OPA1 mitochondrial dynamin like GTPase; plus strand). Cytogenetic location: 3q29.
Variant type: single nucleotide variant.
Coding change: c.1681+3A>G on transcript NM_130837.3 (MANE Select); 3 bases into the intron after coding-DNA position 1681, A replaced by G.
Molecular consequence: intron variant.
Genome position (GRCh38, 1-based): chr3:193,645,628, A>G. VCF-style: chr3-193645628-A-G. GRCh37 (hg19) VCF-style: chr3-193363417-A-G.
Other names: c.1144+3A>G (NM_001354664.2); c.1147+3A>G (NM_001354663.2); c.1570+3A>G (NM_130834.3); c.1627+3A>G (NM_130836.3); c.1516+3A>G (NM_015560.3); c.1573+3A>G (NM_130835.3); c.1462+3A>G (NM_130832.3); c.1519+3A>G (NM_130833.3); and 1 more.
Identifiers: ClinVar variation 447895 (VCV000447895.49), dbSNP rs1553878573, ClinGen allele CA658657364.